The following is an entry in ClinVar:

NM_000051.4(ATM):c.7077_7078dup (p.Tyr2360fs)

Genes: ATM (ATM serine/threonine kinase; plus strand), C11orf65 (chromosome 11 open reading frame 65; minus strand). Cytogenetic location: 11q22.3.
Variant type: Duplication.
Coding change: c.7077_7078dup on transcript NM_000051.4 (MANE Select); coding-DNA positions 7077 to 7078, 2 bases duplicated (CT; older notation c.7077_7078dupCT).
Protein change: p.Tyr2360fs; shifts the reading frame from tyrosine 2360.
Molecular consequence: frameshift variant. On other transcripts: intron variant (2).
Genome position (GRCh38, 1-based): chr11:108,327,746-108,327,747, CT duplicated. VCF-style (leftmost placement, unchanged base first): chr11-108327745-C-CCT. GRCh37 (hg19) VCF-style: chr11-108198472-C-CCT.
Other names: c.7077_7078dupCT (NM_000051.3); c.7077_7078dup, p.Tyr2360fs (NM_001351834.2); c.641-18676_641-18675dup (NM_001330368.2); c.*38+7473_*38+7474dup (NM_001351110.2); short protein forms Y2360fs.
Identifiers: ClinVar variation 1366879 (VCV001366879.9), dbSNP rs2136379109, ClinGen allele CA2573146614.

ClinVar aggregate classification (germline): Pathogenic. Review status: criteria provided, multiple submitters, no conflicts (2 of 4 stars). 3 submissions from 3 submitters: Pathogenic (3). Last evaluated 2024-01-30.

Conditions:
Familial cancer of breast. Also called: BREAST CANCER, FAMILIAL; Hereditary breast cancer; hereditary breast carcinoma. Identifiers: Orphanet 227535, MedGen C0346153, MONDO:0016419, OMIM 114480. Disease mechanism: loss of function.
Ataxia-telangiectasia syndrome (AT). Also called: Ataxia-telangiectasia; LOUIS-BAR SYNDROME; Ataxia-telangiectasia, complementation group D; AT, COMPLEMENTATION GROUP C; ATAXIA-TELANGIECTASIA, COMPLEMENTATION GROUP A; ATAXIA-TELANGIECTASIA, FRESNO VARIANT. Identifiers: Orphanet 100, MedGen C0004135, MONDO:0008840, OMIM 208900.
Hereditary cancer-predisposing syndrome. Also called: Tumor predisposition; Neoplastic Syndromes, Hereditary; Hereditary Cancer Syndrome; Hereditary neoplastic syndrome. Identifiers: Orphanet 140162, MedGen C0027672, MeSH D009386, MONDO:0015356.

Submissions (3):

Myriad Genetics, Inc.
Classification: Pathogenic for Familial cancer of breast. Last evaluated: 2024-01-30. Review status: criteria provided, single submitter. Criteria: Myriad Autosomal Dominant, Autosomal Recessive and X-Linked Classification Criteria (2023). Collection method: clinical testing. Allele origin: unknown.
Comment: This variant is considered pathogenic. This variant creates a frameshift predicted to result in premature protein truncation.

Ambry Genetics
Classification: Pathogenic for Hereditary cancer-predisposing syndrome. Last evaluated: 2022-04-14. Review status: criteria provided, single submitter. Criteria: Ambry Variant Classification Scheme 2023. Collection method: clinical testing. Allele origin: germline.
Comment: The c.7077_7078dupCT pathogenic mutation, located in coding exon 47 of the ATM gene, results from a duplication of CT at nucleotide position 7077, causing a translational frameshift with a predicted alternate stop codon (p.Y2360Sfs*3). This alteration is expected to result in loss of function by premature protein truncation or nonsense-mediated mRNA decay. As such, this alteration is interpreted as a disease-causing mutation.

Labcorp Genetics (formerly Invitae), Labcorp
Classification: Pathogenic for Ataxia-telangiectasia syndrome. Last evaluated: 2021-11-01. Review status: criteria provided, single submitter. Criteria: Invitae Variant Classification Sherloc (09022015). Collection method: clinical testing. Allele origin: germline.
Comment: For these reasons, this variant has been classified as Pathogenic. This variant has not been reported in the literature in individuals affected with ATM-related conditions. This variant is not present in population databases (gnomAD no frequency). This sequence change creates a premature translational stop signal (p.Tyr2360Serfs*3) in the ATM gene. It is expected to result in an absent or disrupted protein product. Loss-of-function variants in ATM are known to be pathogenic (PMID: 23807571, 25614872).

Literature cited by the submitters: PubMed 23807571 (cited by Labcorp Genetics (formerly Invitae), Labcorp); PubMed 25614872 (cited by Labcorp Genetics (formerly Invitae), Labcorp).